The following is an entry in ClinVar:

ClinVar aggregate classification (germline): Uncertain significance (1 of 4 stars; one submission).

Submission:

Quest Diagnostics Nichols Institute San Juan Capistrano
Classification: Uncertain significance. Last evaluated: 2025-10-16. Review status: criteria provided, single submitter. Criteria: Quest Diagnostics criteria. Collection method: clinical testing. Allele origin: unknown.
Comment: The RECQL c.506A>G (p.His169Arg) variant has not been reported in individuals with RECQL-related conditions in the published literature. This variant also has not been reported in large, multi-ethnic general populations (Genome Aggregation Database). Analysis of this variant using bioinformatics tools for the prediction of the effect of amino acid changes on protein structure and function yielded conflicting predictions that this variant is deleterious or benign. Based on the available information, we are unable to determine the clinical significance of this variant.

NM_002907.4(RECQL):c.506A>G (p.His169Arg)

Gene: RECQL (RecQ like helicase; minus strand). Cytogenetic location: 12p12.1.
Variant type: single nucleotide variant.
Coding change: c.506A>G on transcript NM_002907.4 (MANE Select); coding-DNA position 506, A replaced by G.
Protein change: p.His169Arg; replaces histidine 169 with arginine.
Molecular consequence: missense variant.
Genome position (GRCh38, 1-based): chr12:21,483,570, T>C on the plus strand (A>G on the coding strand, the complement: RECQL is on the minus strand). VCF-style: chr12-21483570-T-C. GRCh37 (hg19) VCF-style: chr12-21636504-T-C.
Other names: c.506A>G, p.His169Arg (NM_032941.3); short protein forms H169R.
Identifiers: ClinVar variation 4533062 (VCV004533062.1).